The following is an entry in ClinVar:

NM_022041.4(GAN):c.1703C>T (p.Thr568Ile)

Gene: GAN (gigaxonin; plus strand). Cytogenetic location: 16q23.2.
Variant type: single nucleotide variant.
Coding change: c.1703C>T on transcript NM_022041.4 (MANE Select); coding-DNA position 1703, C replaced by T.
Protein change: p.Thr568Ile; replaces threonine 568 with isoleucine.
Molecular consequence: missense variant.
Genome position (GRCh38, 1-based): chr16:81,377,505, C>T. VCF-style: chr16-81377505-C-T. GRCh37 (hg19) VCF-style: chr16-81411110-C-T.
Other names: c.1064C>T, p.Thr355Ile (NM_001377486.1); short protein forms T355I, T568I.
Identifiers: ClinVar variation 1384758 (VCV001384758.8), dbSNP rs2150698993, ClinGen allele CA396892443.

ClinVar aggregate classification (germline): Uncertain significance (1 of 4 stars; one submission).

Conditions:
Giant axonal neuropathy 1 (GAN1). Also called: GIANT AXONAL NEUROPATHY 1, AUTOSOMAL RECESSIVE; GAN-Related Neurodegeneration. Identifiers: Orphanet 643, MedGen C1850386, MONDO:0009749, OMIM 256850.

Submission:

Labcorp Genetics (formerly Invitae), Labcorp
Classification: Uncertain significance for Giant axonal neuropathy 1. Last evaluated: 2021-04-04. Review status: criteria provided, single submitter. Criteria: Invitae Variant Classification Sherloc (09022015). Collection method: clinical testing. Allele origin: germline.
Comment: Algorithms developed to predict the effect of missense changes on protein structure and function are either unavailable or do not agree on the potential impact of this missense change (SIFT: "Deleterious"; PolyPhen-2: "Benign"; Align-GVGD: "Class C0"). This variant has not been reported in the literature in individuals with GAN-related conditions. This variant is not present in population databases (ExAC no frequency). This sequence change replaces threonine with isoleucine at codon 568 of the GAN protein (p.Thr568Ile). The threonine residue is moderately conserved and there is a moderate physicochemical difference between threonine and isoleucine. In summary, the available evidence is currently insufficient to determine the role of this variant in disease. Therefore, it has been classified as a Variant of Uncertain Significance.